The following is an entry in ClinVar:

ClinVar aggregate classification (germline): Benign/Likely benign. Review status: criteria provided, multiple submitters, no conflicts (2 of 4 stars). 11 submissions from 11 submitters: Benign (1); Likely benign (9). 1 of the submissions does not count toward it. Last evaluated 2026-01-21.

Conditions:
Hereditary cancer-predisposing syndrome. Also called: Tumor predisposition; Neoplastic Syndromes, Hereditary; Hereditary neoplastic syndrome; Hereditary Cancer Syndrome. Identifiers: Orphanet 140162, MedGen C0027672, MeSH D009386, MONDO:0015356.
Familial thoracic aortic aneurysm and aortic dissection (TAAD). Also called: Thoracic aortic aneurysms and dissections. Identifiers: Orphanet 91387, MedGen C4707243, MONDO:0019625.
Juvenile polyposis syndrome (JPS). Identifiers: Orphanet 2929, MedGen C0345893, MONDO:0017380, OMIM 174900.
Juvenile polyposis/hereditary hemorrhagic telangiectasia syndrome (JPHT). Also called: JP/HHT SYNDROME; JUVENILE POLYPOSIS WITH HEREDITARY HEMORRHAGIC TELANGIECTASIA; POLYPOSIS, GENERALIZED JUVENILE, WITH PULMONARY ARTERIOVENOUS MALFORMATION; TELANGIECTASIA, HEREDITARY HEMORRHAGIC, WITH JUVENILE POLYPOSIS COLI; Juvenile Polyposis Syndrome / Hereditary Hemorrhagic Telangiectasia (JPS/HHT). Identifiers: Orphanet 2929, MedGen C1832942, MONDO:0008278, OMIM 175050.

Allele frequency attached by ClinVar (database versions not stated): gnomAD exomes below 0.00001 and 0.00002; TOPMed below 0.00001; gnomAD 0.00001.

Submissions (11):

Labcorp Genetics (formerly Invitae), Labcorp
Classification: Likely benign for Juvenile polyposis syndrome. Last evaluated: 2026-01-21. Review status: criteria provided, single submitter. Criteria: Invitae Variant Classification Sherloc (09022015). Collection method: clinical testing. Allele origin: germline.

All of Us Research Program, National Institutes of Health
Classification: Likely benign for Juvenile polyposis/hereditary hemorrhagic telangiectasia syndrome. Last evaluated: 2024-07-29. Review status: criteria provided, single submitter. Criteria: ACMG Guidelines, 2015. Collection method: clinical testing. Allele origin: germline. Inheritance: Autosomal dominant inheritance. Observed: 9 variant alleles, 9 heterozygotes.
Comment: This study involves interpretation of variants in research participants for the purpose of population health screening. Participant phenotype was not available at the time of variant classification. Additional details can be found in publication PMID: 35346344, PMCID: PMC8962531

Myriad Genetics, Inc.
Classification: Benign for Juvenile polyposis/hereditary hemorrhagic telangiectasia syndrome. Last evaluated: 2023-04-10. Review status: criteria provided, single submitter. Criteria: Myriad Autosomal Dominant, Autosomal Recessive and X-Linked Classification Criteria (2023). Collection method: clinical testing. Allele origin: unknown.
Comment: This variant is considered benign. This variant is a silent/synonymous amino acid change and it is not expected to impact splicing.

Blueprint Genetics
Classification: Likely benign. Last evaluated: 2022-08-05. Review status: criteria provided, single submitter. Criteria: ACMG Guidelines, 2015. Collection method: clinical testing. Allele origin: germline.

Sema4
Classification: Likely benign for Hereditary cancer-predisposing syndrome. Last evaluated: 2021-11-02. Review status: criteria provided, single submitter. Criteria: Sema4 Curation Guidelines. Collection method: curation. Allele origin: germline.

GeneDx
Classification: Likely benign. Last evaluated: 2020-08-28. Review status: criteria provided, single submitter. Criteria: GeneDx Variant Classification Process June 2021. Collection method: clinical testing. Allele origin: germline. Affected: yes.

Women's Health and Genetics/Laboratory Corporation of America, LabCorp
Classification: Likely benign. Last evaluated: 2019-08-29. Review status: criteria provided, single submitter. Criteria: LabCorp Variant Classification Summary - May 2015. Collection method: clinical testing. Allele origin: germline.

PreventionGenetics, part of Exact Sciences
Classification: Likely benign. Last evaluated: 2017-11-13. Review status: criteria provided, single submitter. Criteria: ACMG Guidelines, 2015. Collection method: clinical testing. Allele origin: germline.

Color Diagnostics, LLC DBA Color Health
Classification: Likely benign for Hereditary cancer-predisposing syndrome. Last evaluated: 2017-03-07. Review status: criteria provided, single submitter. Criteria: ACMG Guidelines, 2015. Collection method: clinical testing. Allele origin: germline.

Ambry Genetics
Classification: Likely benign for Hereditary cancer-predisposing syndrome; Familial thoracic aortic aneurysm and aortic dissection. Last evaluated: 2014-11-20. Review status: criteria provided, single submitter. Criteria: Ambry Variant Classification Scheme 2023. Collection method: clinical testing. Allele origin: germline.

Counsyl
Classification: Likely benign for Juvenile polyposis syndrome. Last evaluated: 2015-11-24. Review status: no assertion criteria provided. Collection method: clinical testing. Allele origin: unknown. Not counted in ClinVar's aggregate classification.

NM_005359.6(SMAD4):c.1422A>C (p.Ser474=)

Gene: SMAD4 (SMAD family member 4; plus strand). Cytogenetic location: 18q21.2.
Variant type: single nucleotide variant.
Coding change: c.1422A>C on transcript NM_005359.6 (MANE Select); coding-DNA position 1422, A replaced by C.
Protein change: p.Ser474=; no amino-acid change (serine 474 retained).
Molecular consequence: synonymous variant.
Genome position (GRCh38, 1-based): chr18:51,076,751, A>C. VCF-style: chr18-51076751-A-C. GRCh37 (hg19) VCF-style: chr18-48603121-A-C.
Identifiers: ClinVar variation 184070 (VCV000184070.29), dbSNP rs786201261, ClinGen allele CA187690.